The following is an entry in ClinVar:

ClinVar aggregate classification (germline): Uncertain significance (1 of 4 stars; one submission).

Conditions:
Multiple endocrine neoplasia, type 1 (MEN1). Also called: MEN I; WERMER SYNDROME; Endocrine adenomatosis multiple; MEN 1; MEA I. Identifiers: Orphanet 652, MedGen C0025267, MeSH D018761, MONDO:0007540, OMIM 131100.

gnomAD v4.1: 1 of 1,614,176 alleles (0.000062%); highest among the groups gnomAD compares: Non-Finnish European, 0.000085%; no homozygotes.

Submission:

Labcorp Genetics (formerly Invitae), Labcorp
Classification: Uncertain significance for Multiple endocrine neoplasia, type 1. Last evaluated: 2024-03-14. Review status: criteria provided, single submitter. Criteria: Invitae Variant Classification Sherloc (09022015). Collection method: clinical testing. Allele origin: germline.
Comment: This sequence change replaces arginine, which is basic and polar, with glycine, which is neutral and non-polar, at codon 137 of the MEN1 protein (p.Arg137Gly). This variant is present in population databases (no rsID available, gnomAD 0.0009%). This variant has not been reported in the literature in individuals affected with MEN1-related conditions. Advanced modeling of protein sequence and biophysical properties (such as structural, functional, and spatial information, amino acid conservation, physicochemical variation, residue mobility, and thermodynamic stability) performed at Invitae indicates that this missense variant is expected to disrupt MEN1 protein function with a positive predictive value of 95%. In summary, the available evidence is currently insufficient to determine the role of this variant in disease. Therefore, it has been classified as a Variant of Uncertain Significance.

NM_001370259.2(MEN1):c.409C>G (p.Arg137Gly)

Gene: MEN1 (menin 1; minus strand). Cytogenetic location: 11q13.1.
Variant type: single nucleotide variant.
Coding change: c.409C>G on transcript NM_001370259.2 (MANE Select); coding-DNA position 409, C replaced by G.
Protein change: p.Arg137Gly; replaces arginine 137 with glycine.
Molecular consequence: missense variant. On other transcripts: non-coding transcript variant (4).
Genome position (GRCh38, 1-based): chr11:64,809,701, G>C on the plus strand (C>G on the coding strand, the complement: MEN1 is on the minus strand). VCF-style: chr11-64809701-G-C. GRCh37 (hg19) VCF-style: chr11-64577173-G-C.
Other names: c.409C>G, p.Arg137Gly (NM_001370260.2, NM_001370261.2, NM_001370262.2 and 20 more transcripts); short protein forms R137G.
Identifiers: ClinVar variation 2920479 (VCV002920479.3), dbSNP rs1208267598, ClinGen allele CA381186825.